The following is an entry in ClinVar:

ClinVar aggregate classification (germline): Conflicting classifications of pathogenicity. Review status: criteria provided, conflicting classifications (1 of 4 stars). 3 submissions from 3 submitters: Uncertain significance (2); Likely benign (1). Last evaluated 2025-11-05.

Conditions:
Familial thoracic aortic aneurysm and aortic dissection (TAAD). Also called: Thoracic aortic aneurysms and dissections. Identifiers: Orphanet 91387, MedGen C4707243, MONDO:0019625.
Ehlers-Danlos syndrome, type 4 (EDSVASC). Also called: Ehlers-Danlos syndrome vascular type; Ehlers Danlos syndrome, ecchymotic type; Ehlers Danlos syndrome, arterial type; Ehlers Danlos syndrome, Sack-Barabas type; Ehlers-Danlos Syndrome Type IV. Identifiers: Orphanet 286, MedGen C0268338, MONDO:0017314, OMIM 130050.

Allele frequency attached by ClinVar (database versions not stated): TOPMed 0.00001; gnomAD exomes below 0.00001; gnomAD 0.00001.
gnomAD v4.1: 4 of 1,551,066 alleles (0.00026%); highest among the groups gnomAD compares: Admixed American, 0.0078%; no homozygotes.

Submissions (3):

Color Diagnostics, LLC DBA Color Health
Classification: Likely benign for Familial thoracic aortic aneurysm and aortic dissection. Last evaluated: 2025-11-05. Review status: criteria provided, single submitter. Criteria: ACMG Guidelines, 2015. Collection method: clinical testing. Allele origin: germline.

All of Us Research Program, National Institutes of Health
Classification: Uncertain significance for Ehlers-Danlos syndrome, type 4. Last evaluated: 2024-06-11. Review status: criteria provided, single submitter. Criteria: ACMG Guidelines, 2015. Collection method: clinical testing. Allele origin: germline. Inheritance: Autosomal dominant inheritance. Observed: 1 variant allele, 1 heterozygote.
Comment: This study involves interpretation of variants in research participants for the purpose of population health screening. Participant phenotype was not available at the time of variant classification. Additional details can be found in publication PMID: 35346344, PMCID: PMC8962531

Labcorp Genetics (formerly Invitae), Labcorp
Classification: Uncertain significance for Ehlers-Danlos syndrome, type 4. Last evaluated: 2022-08-09. Review status: criteria provided, single submitter. Criteria: Invitae Variant Classification Sherloc (09022015). Collection method: clinical testing. Allele origin: germline.
Comment: This sequence change replaces glycine, which is neutral and non-polar, with serine, which is neutral and polar, at codon 847 of the COL3A1 protein (p.Gly847Ser). This variant is not present in population databases (gnomAD no frequency). This variant has not been reported in the literature in individuals affected with COL3A1-related conditions. ClinVar contains an entry for this variant (Variation ID: 1037756). Advanced modeling of protein sequence and biophysical properties (such as structural, functional, and spatial information, amino acid conservation, physicochemical variation, residue mobility, and thermodynamic stability) performed at Invitae indicates that this missense variant is not expected to disrupt COL3A1 protein function. In summary, the available evidence is currently insufficient to determine the role of this variant in disease. Therefore, it has been classified as a Variant of Uncertain Significance.

NM_000090.4(COL3A1):c.2539G>A (p.Gly847Ser)

Gene: COL3A1 (collagen type III alpha 1 chain; plus strand). Cytogenetic location: 2q32.2.
Variant type: single nucleotide variant.
Coding change: c.2539G>A on transcript NM_000090.4 (MANE Select); coding-DNA position 2539, G replaced by A.
Protein change: p.Gly847Ser; replaces glycine 847 with serine.
Molecular consequence: missense variant.
Genome position (GRCh38, 1-based): chr2:189,003,048, G>A. VCF-style: chr2-189003048-G-A. GRCh37 (hg19) VCF-style: chr2-189867774-G-A.
Other names: short protein forms G847S.
Identifiers: ClinVar variation 1037756 (VCV001037756.8), dbSNP rs1688502787, ClinGen allele CA349842883.